The following is an entry in ClinVar:

ClinVar aggregate classification (germline): Uncertain significance (1 of 4 stars; one submission).

Conditions:
Zellweger spectrum disorders (ZS). Also called: Zellweger syndrome; Zellweger Spectrum Disorder; Zellweger Spectrum; Zellweger Spectrum Disorder (ZSD). Identifiers: Orphanet 912, MedGen C0043459, MONDO:0019609.

gnomAD v4.1: 6 of 1,603,764 alleles (0.00037%); highest among the groups gnomAD compares: Non-Finnish European, 0.00051%; no homozygotes.

Submission:

Labcorp Genetics (formerly Invitae), Labcorp
Classification: Uncertain significance for Zellweger spectrum disorders. Last evaluated: 2022-05-05. Review status: criteria provided, single submitter. Criteria: Invitae Variant Classification Sherloc (09022015). Collection method: clinical testing. Allele origin: germline.
Comment: This sequence change replaces glutamic acid, which is acidic and polar, with glycine, which is neutral and non-polar, at codon 747 of the PEX1 protein (p.Glu747Gly). This variant is present in population databases (rs200207576, gnomAD 0.003%). This variant has not been reported in the literature in individuals affected with PEX1-related conditions. Algorithms developed to predict the effect of missense changes on protein structure and function are either unavailable or do not agree on the potential impact of this missense change (SIFT: "Deleterious"; PolyPhen-2: "Benign"; Align-GVGD: "Class C0"). In summary, the available evidence is currently insufficient to determine the role of this variant in disease. Therefore, it has been classified as a Variant of Uncertain Significance.

NM_000466.3(PEX1):c.2240A>G (p.Glu747Gly)

Gene: PEX1 (peroxisomal biogenesis factor 1; minus strand). Cytogenetic location: 7q21.2.
Variant type: single nucleotide variant.
Coding change: c.2240A>G on transcript NM_000466.3 (MANE Select); coding-DNA position 2240, A replaced by G.
Protein change: p.Glu747Gly; replaces glutamic acid 747 with glycine.
Molecular consequence: missense variant.
Genome position (GRCh38, 1-based): chr7:92,502,066, T>C on the plus strand (A>G on the coding strand, the complement: PEX1 is on the minus strand). VCF-style: chr7-92502066-T-C. GRCh37 (hg19) VCF-style: chr7-92131380-T-C.
Other names: c.2069A>G, p.Glu690Gly (NM_001282677.2); c.1616A>G, p.Glu539Gly (NM_001282678.2); short protein forms E539G, E690G, E747G.
Identifiers: ClinVar variation 2141793 (VCV002141793.1), dbSNP rs200207576, ClinGen allele CA4341170.
Genomic context (GRCh38, chr7:92,502,066, plus strand): 5'-AGATCGGTGAACTTGTTTATATCACAGTCCAATTTATTTTTTATTACATTACACAGAATT[T>C]CACATCTTTGTTCCTAAAGAAAAAAACACAAAATTCGAATTTCCAATTGTATTCAACTGT-3'
Protein context (NP_000457.1, residues 737-757): IQPPNQEQRC[Glu747Gly]ILCNVIKNKL